The following is an entry in ClinVar:

NM_032108.4(SEMA6B):c.743T>C (p.Ile248Thr)

Gene: SEMA6B (semaphorin 6B; minus strand). Cytogenetic location: 19p13.3.
Variant type: single nucleotide variant.
Coding change: c.743T>C on transcript NM_032108.4 (MANE Select); coding-DNA position 743, T replaced by C.
Protein change: p.Ile248Thr; replaces isoleucine 248 with threonine.
Molecular consequence: missense variant.
Genome position (GRCh38, 1-based): chr19:4,554,416, A>G on the plus strand (T>C on the coding strand, the complement: SEMA6B is on the minus strand). VCF-style: chr19-4554416-A-G. GRCh37 (hg19) VCF-style: chr19-4554428-A-G.
Other names: short protein forms I248T.
Identifiers: ClinVar variation 1343254 (VCV001343254.1), dbSNP rs1192861122, ClinGen allele CA403468007.

ClinVar aggregate classification (germline): Uncertain significance (1 of 4 stars; one submission).

Conditions:
Epilepsy, progressive myoclonic, 11. Identifiers: MedGen C5394362, MONDO:0030034, OMIM 618876.

Allele frequency attached by ClinVar (database versions not stated): gnomAD exomes below 0.00001; gnomAD 0.00001; TOPMed 0.00001.
gnomAD v4.1: 3 of 1,613,736 alleles (0.00019%); highest among the groups gnomAD compares: Admixed American, 0.0017%; no homozygotes.

Submission:

Institute of Human Genetics, Clinical Exome/Genome Diagnostics Group, University Hospital Bonn
Classification: Uncertain significance for Epilepsy, progressive myoclonic, 11. Last evaluated: 2021-10-29. Review status: criteria provided, single submitter. Criteria: ACMG Guidelines, 2015. Collection method: clinical testing. Allele origin: inherited. Affected: yes.
Comment: PM2, PP3